The following is an entry in ClinVar:

ClinVar aggregate classification (germline): Uncertain significance (1 of 4 stars; one submission).

Conditions:
CPE-related disorder. Also called: CPE-related condition.

gnomAD v4.1: 48 of 1,613,060 alleles (0.003%); highest among the groups gnomAD compares: Non-Finnish European, 0.0038%; no homozygotes.

Submission:

PreventionGenetics, part of Exact Sciences
Classification: Uncertain significance for CPE-related condition. Last evaluated: 2025-02-24. Review status: criteria provided, single submitter. Criteria: ACMG Guidelines, 2015. Collection method: clinical testing. Allele origin: germline.
Comment: The CPE c.691G>A variant is predicted to result in the amino acid substitution p.Ala231Thr. To our knowledge, this variant has not been reported in the literature. This variant is reported in 0.0018% of alleles in individuals of European (Non-Finnish) descent in gnomAD. At this time, the clinical significance of this variant is uncertain due to the absence of conclusive functional and genetic evidence.

NM_001873.4(CPE):c.691G>A (p.Ala231Thr)

Gene: CPE (carboxypeptidase E; plus strand). Cytogenetic location: 4q32.3.
Variant type: single nucleotide variant.
Coding change: c.691G>A on transcript NM_001873.4 (MANE Select); coding-DNA position 691, G replaced by A.
Protein change: p.Ala231Thr; replaces alanine 231 with threonine.
Molecular consequence: missense variant.
Genome position (GRCh38, 1-based): chr4:165,482,260, G>A. VCF-style: chr4-165482260-G-A. GRCh37 (hg19) VCF-style: chr4-166403412-G-A.
Other names: short protein forms A231T.
Identifiers: ClinVar variation 4978004 (VCV004978004.1).